The following is an entry in ClinVar:

NM_003954.5(MAP3K14):c.92C>T (p.Pro31Leu)

Gene: MAP3K14 (mitogen-activated protein kinase kinase kinase 14; minus strand). Cytogenetic location: 17q21.31.
Variant type: single nucleotide variant.
Coding change: c.92C>T on transcript NM_003954.5 (MANE Select); coding-DNA position 92, C replaced by T.
Protein change: p.Pro31Leu; replaces proline 31 with leucine.
Molecular consequence: missense variant.
Genome position (GRCh38, 1-based): chr17:45,290,654, G>A on the plus strand (C>T on the coding strand, the complement: MAP3K14 is on the minus strand). VCF-style: chr17-45290654-G-A. GRCh37 (hg19) VCF-style: chr17-43368020-G-A.
Other names: short protein forms P31L.
Identifiers: ClinVar variation 4692124 (VCV004692124.1).

ClinVar aggregate classification (germline): Uncertain significance (1 of 4 stars; one submission).

Conditions:
NIK deficiency. Also called: Primary immunodeficiency with multifaceted aberrant lymphoid immunity. Identifiers: Orphanet 447731, MedGen C5680065, MONDO:0018642.

gnomAD v4.1: 8 of 1,613,446 alleles (0.0005%); highest among the groups gnomAD compares: African/African-American, 0.008%; no homozygotes.

Submission:

Labcorp Genetics (formerly Invitae), Labcorp
Classification: Uncertain significance for NIK deficiency. Last evaluated: 2025-07-09. Review status: criteria provided, single submitter. Criteria: Invitae Variant Classification Sherloc (09022015). Collection method: clinical testing. Allele origin: germline.
Comment: This sequence change replaces proline, which is neutral and non-polar, with leucine, which is neutral and non-polar, at codon 31 of the MAP3K14 protein (p.Pro31Leu). This variant is present in population databases (rs367624369, gnomAD 0.01%). This variant has not been reported in the literature in individuals affected with MAP3K14-related conditions. Experimental studies and prediction algorithms are not available or were not evaluated, and the functional significance of this variant is currently unknown. In summary, the available evidence is currently insufficient to determine the role of this variant in disease. Therefore, it has been classified as a Variant of Uncertain Significance.